The following is an entry in ClinVar:

NM_000341.4(SLC3A1):c.1188C>G (p.Tyr396Ter)

Gene: SLC3A1 (solute carrier family 3 member 1; plus strand). Cytogenetic location: 2p21.
Variant type: single nucleotide variant.
Coding change: c.1188C>G on transcript NM_000341.4 (MANE Select); coding-DNA position 1188, C replaced by G.
Protein change: p.Tyr396Ter; replaces tyrosine 396 with a stop codon.
Molecular consequence: nonsense.
Genome position (GRCh38, 1-based): chr2:44,304,194, C>G. VCF-style: chr2-44304194-C-G. GRCh37 (hg19) VCF-style: chr2-44531333-C-G.
Other names: short protein forms Y396*.
Identifiers: ClinVar variation 2582318 (VCV002582318.3), dbSNP rs374750983, ClinGen allele CA346682528.

ClinVar aggregate classification (germline): Pathogenic/Likely pathogenic. Review status: criteria provided, multiple submitters, no conflicts (2 of 4 stars). 2 submissions from 2 submitters: Pathogenic (1); Likely pathogenic (1). Last evaluated 2024-08-21.

Conditions:
Cystinuria (CSNU). Also called: CYSTINURIA, TYPE I; CYSTINURIA, TYPE II; CYSTINURIA, TYPE III; Cystinuria, non-type I. Identifiers: Orphanet 214, MedGen C0010691, MONDO:0009067, OMIM 220100, HP:0003131.

Submissions (2):

Labcorp Genetics (formerly Invitae), Labcorp
Classification: Pathogenic for Cystinuria. Last evaluated: 2024-08-21. Review status: criteria provided, single submitter. Criteria: Invitae Variant Classification Sherloc (09022015). Collection method: clinical testing. Allele origin: germline.
Comment: This sequence change creates a premature translational stop signal (p.Tyr396*) in the SLC3A1 gene. It is expected to result in an absent or disrupted protein product. Loss-of-function variants in SLC3A1 are known to be pathogenic (PMID: 24610330, 25109415, 25964309). This variant is not present in population databases (gnomAD no frequency). This variant has not been reported in the literature in individuals affected with SLC3A1-related conditions. ClinVar contains an entry for this variant (Variation ID: 2582318). For these reasons, this variant has been classified as Pathogenic.

Baylor Genetics
Classification: Likely pathogenic for Cystinuria. Last evaluated: 2023-08-05. Review status: criteria provided, single submitter. Criteria: ACMG Guidelines, 2015. Collection method: clinical testing. Allele origin: unknown.

Literature cited by the submitters: PubMed 24610330 (cited by Labcorp Genetics (formerly Invitae), Labcorp); PubMed 25109415 (cited by Labcorp Genetics (formerly Invitae), Labcorp); PubMed 25964309 (cited by Labcorp Genetics (formerly Invitae), Labcorp).